The following is an entry in ClinVar:

ClinVar aggregate classification (germline): Uncertain significance (1 of 4 stars; one submission).

Conditions:
Atypical hemolytic-uremic syndrome. Identifiers: Orphanet 2134, MedGen C2931788, MONDO:0016244.

gnomAD v4.1: 2 of 1,613,070 alleles (0.00012%); highest among the groups gnomAD compares: Non-Finnish European, 0.00017%; no homozygotes.

Submission:

Genomenon, Inc
Classification: Uncertain significance for Atypical hemolytic-uremic syndrome. Last evaluated: 2025-09-26. Review status: criteria provided, single submitter. Criteria: Genomenon Sequence Variant Interpretation Standards - Updated. Collection method: curation. Allele origin: germline. Affected: yes.
Comment: CFB p.Tyr67His (c.199T>C) is a missense variant that changes the amino acid at residue 67 from Tyrosine to Histidine. This variant has been observed in at least one proband affected with atypical hemolytic-uremic syndrome (PMID:37685848). It is absent or not present at a significant frequency in gnomAD. In conclusion, we classify CFB p.Tyr67His (c.199T>C) as a variant of uncertain significance.

Literature cited by the submitters: PubMed 37685848.

NM_001710.6(CFB):c.199T>C (p.Tyr67His)

Gene: CFB (complement factor B; plus strand). Cytogenetic location: 6p21.33.
Variant type: single nucleotide variant.
Coding change: c.199T>C on transcript NM_001710.6 (MANE Select); coding-DNA position 199, T replaced by C.
Protein change: p.Tyr67His; replaces tyrosine 67 with histidine.
Molecular consequence: missense variant.
Genome position (GRCh38, 1-based): chr6:31,946,507, T>C. VCF-style: chr6-31946507-T-C. GRCh37 (hg19) VCF-style: chr6-31914284-T-C.
Other names: short protein forms Y67H.
Identifiers: ClinVar variation 4280394 (VCV004280394.1).